The following is an entry in ClinVar:

ClinVar aggregate classification (germline): Pathogenic. Review status: criteria provided, multiple submitters, no conflicts (2 of 4 stars). 9 submissions from 9 submitters: Pathogenic (9). Last evaluated 2025-02-09.

Conditions:
Sotos syndrome (SOTOS). Also called: CHROMOSOME 5q35 DELETION SYNDROME; CEREBRAL GIGANTISM; Sotos' syndrome; Distinctive facial appearance, overgrowth in childhood, and learning disabilities or delayed development; SOTOS SYNDROME 1. Identifiers: Orphanet 821, MedGen C0175695, MONDO:0019349, OMIM 117550.
Inborn genetic diseases. Identifiers: MedGen C0950123, MeSH D030342.
Intellectual disability. Also called: Intellectual functioning disability; intellectual disabilities; Intellectual developmental disorder. Identifiers: MedGen C3714756, MeSH D008607, MONDO:0001071, HP:0001249.

Submissions (9):

Labcorp Genetics (formerly Invitae), Labcorp
Classification: Pathogenic. Last evaluated: 2025-02-09. Review status: criteria provided, single submitter. Criteria: Invitae Variant Classification Sherloc (09022015). Collection method: clinical testing. Allele origin: germline.
Comment: This sequence change creates a premature translational stop signal (p.Ser985Cysfs*25) in the NSD1 gene. It is expected to result in an absent or disrupted protein product. Loss-of-function variants in NSD1 are known to be pathogenic (PMID: 12464997, 14571271, 15942875, 16247291). This variant is not present in population databases (gnomAD no frequency). This premature translational stop signal has been observed in individual(s) with clinical features of Sotos syndrome (PMID: 16247291, 28475857, 35591945). This variant is also known as 2954delCT. For these reasons, this variant has been classified as Pathogenic.

Dasa
Classification: Pathogenic for Sotos syndrome. Last evaluated: 2024-12-11. Review status: criteria provided, single submitter. Criteria: DASA Assertion Criteria. Collection method: clinical testing. Allele origin: germline.
Comment: NM_022455.5(NSD1):c.2954_2955del (p.Ser985Cysfs*25) is a frameshift variant in NSD1 predicted to alter the reading frame and introduce a premature termination codon and is predicted to result in an absent or altered protein product. Loss of function is an established disease mechanism for NSD1 (PMID: 11896389; PMID: 17565729; PMID: 23190751). This variant has been recurrently observed in individuals with NSD1-related disorders (PMID: 34405946; PMID: 35591945). Also, this variant is absent from population databases. Based on the currently available evidence, this variant is classified as pathogenic.

Victorian Clinical Genetics Services, Murdoch Childrens Research Institute
Classification: Pathogenic for Sotos syndrome. Last evaluated: 2024-10-04. Review status: criteria provided, single submitter. Criteria: ACMG Guidelines, 2015. Collection method: clinical testing. Allele origin: germline. Affected: yes.
Comment: This variant is classified as Pathogenic. Evidence in support of pathogenic classification: Variant is predicted to cause nonsense-mediated decay (NMD) and loss of protein (premature termination codon is located at least 54 nucleotides upstream of the final exon-exon junction); Variant is absent from gnomAD (v2, v3 and v4); This variant has strong previous evidence of pathogenicity in unrelated individuals. This variant has been classified as pathogenic by multiple clinical laboratories in ClinVar, and has been observed in at least one individual with Sotos syndrome in the literature (PMID: 34405946); Other NMD-predicted variants comparable to the one identified in this case have very strong previous evidence for pathogenicity (DECIPHER); Additional information: This variant is heterozygous; This gene is associated with autosomal dominant disease; Loss of function is a known mechanism of disease in this gene and is associated with Sotos syndrome (MIM#117550).

GeneDx
Classification: Pathogenic. Last evaluated: 2024-06-26. Review status: criteria provided, single submitter. Criteria: GeneDx Variant Classification Process June 2021. Collection method: clinical testing. Allele origin: germline. Affected: yes.
Comment: Frameshift variant predicted to result in protein truncation or nonsense mediated decay in a gene for which loss of function is a known mechanism of disease; Not observed at significant frequency in large population cohorts (gnomAD); This variant is associated with the following publications: (PMID: 34405946, 28475857, 35591945, 34671977, 33057194, 35982159, 16247291)

CeGaT Center for Human Genetics Tuebingen
Classification: Pathogenic. Last evaluated: 2023-03-01. Review status: criteria provided, single submitter. Criteria: CeGaT Center For Human Genetics Tuebingen Variant Classification Criteria Version 2. Collection method: clinical testing. Allele origin: germline. Affected: yes. Observed: 2 variant alleles.
Comment: NSD1: PVS1, PS2, PM2, PS4:Moderate

Ambry Genetics
Classification: Pathogenic for Inborn genetic diseases. Last evaluated: 2022-04-13. Review status: criteria provided, single submitter. Criteria: Ambry Variant Classification Scheme 2023. Collection method: clinical testing. Allele origin: germline.
Comment: The c.2954_2955delCT (p.S985Cfs*25) alteration, located in exon 5 (coding exon 4) of the NSD1 gene, consists of a deletion of 2 nucleotides from position 2954 to 2955, causing a translational frameshift with a predicted alternate stop codon after 25 amino acids. This alteration is expected to result in loss of function by premature protein truncation or nonsense-mediated mRNA decay. This variant was not reported in population-based cohorts in the Genome Aggregation Database (gnomAD). This alteration has been reported in multiple unrelated patients with clinically diagnosed or suspected Sotos syndrome. The phenotype included intellectual disability, overgrowth, dysmorphic features, and other congenital anomalies (Waggoner, 2005; Saugier-Veber, 2007; Kotilainen, 2009; Ha, 2016; Tatton-Brown, 2017). The patient reported by Saugier-Veber, et al. (2007) also developed hepatoblastoma. Based on the available evidence, this alteration is classified as pathogenic.

Genome-Nilou Lab
Classification: Pathogenic for Sotos syndrome. Last evaluated: 2021-07-15. Review status: criteria provided, single submitter. Criteria: ACMG Guidelines, 2015. Collection method: clinical testing. Allele origin: germline. Affected: no.

Diagnostic Laboratory, Strasbourg University Hospital
Classification: Pathogenic for Intellectual disability. Last evaluated: 2020-04-20. Review status: criteria provided, single submitter. Criteria: ACMG Guidelines, 2015. Collection method: clinical testing. Allele origin: de novo. Inheritance: Autosomal dominant inheritance. Affected: yes. Observed: 1 heterozygote.

Genetic Services Laboratory, University of Chicago
Classification: Pathogenic for Sotos syndrome 1. Last evaluated: 2013-02-08. Review status: criteria provided, single submitter. Criteria: ACMG Guidelines, 2007. Collection method: clinical testing. Allele origin: germline. Inheritance: Autosomal dominant inheritance. Affected: yes.

Literature cited by the submitters: PubMed 12464997 (cited by Labcorp Genetics (formerly Invitae), Labcorp); PubMed 14571271 (cited by Labcorp Genetics (formerly Invitae), Labcorp); PubMed 15942875 (cited by Labcorp Genetics (formerly Invitae), Labcorp); PubMed 16247291 (cited by Labcorp Genetics (formerly Invitae), Labcorp and Ambry Genetics); PubMed 28475857 (cited by Labcorp Genetics (formerly Invitae), Labcorp and Ambry Genetics); PubMed 35591945 (cited by Labcorp Genetics (formerly Invitae), Labcorp and Dasa); PubMed 34405946 (cited by Dasa and Victorian Clinical Genetics Services, Murdoch Childrens Research Institute); PubMed 11896389 (cited by Dasa); PubMed 17565729 (cited by Dasa and Ambry Genetics); PubMed 23190751 (cited by Dasa); PubMed 19876911 (cited by Ambry Genetics); PubMed 27834868 (cited by Ambry Genetics).

NM_022455.5(NSD1):c.2954_2955del (p.Ser985fs)

Gene: NSD1 (nuclear receptor binding SET domain protein 1; plus strand). Cytogenetic location: 5q35.3.
Variant type: Microsatellite.
Coding change: c.2954_2955del on transcript NM_022455.5 (MANE Select); coding-DNA positions 2954 to 2955, 2 bases deleted (CT; older notation c.2954_2955delCT).
Protein change: p.Ser985fs; shifts the reading frame from serine 985.
Molecular consequence: frameshift variant.
Genome position (GRCh38, 1-based): chr5:177,211,353-177,211,354, CT deleted; deleting any 2 consecutive bases within chr5:177,211,351-177,211,354 gives the same sequence; the c. name uses the placement nearest the transcript's 3' end. VCF-style (leftmost placement, unchanged base first): chr5-177211350-ACT-A. GRCh37 (hg19) VCF-style: chr5-176638351-ACT-A.
Other names: c.2079_2080CT[1], p.Ser694Cysfs (NM_001365684.2, NM_001409306.1, NM_001409307.1 and 3 more transcripts); c.2952_2953CT[1], p.Ser985Cysfs (NM_001409301.1, NM_001409302.1, NM_001409303.1); c.2532_2533CT[1], p.Ser845Cysfs (NM_001409304.1); c.2199_2200CT[1], p.Ser734Cysfs (NM_001409305.1); c.2954_2955delCT (NM_022455.4); short protein forms S716fs, S985fs.
Identifiers: ClinVar variation 159294 (VCV000159294.59), dbSNP rs587784092, ClinGen allele CA294836.